The following is an entry in ClinVar:

ClinVar aggregate classification (germline): Uncertain significance. Review status: criteria provided, multiple submitters, no conflicts (2 of 4 stars). 2 submissions from 2 submitters: Uncertain significance (2). Last evaluated 2025-04-10.

Conditions:
Inborn genetic diseases. Identifiers: MedGen C0950123, MeSH D030342.
Charcot-Marie-Tooth disease type 4. Also called: Charcot-Marie-Tooth disease, type IV; Charcot-Marie-Tooth, Type 4. Identifiers: Orphanet 64749, MedGen C4082197, MONDO:0018995.

Allele frequency attached by ClinVar (database versions not stated): gnomAD exomes below 0.00001; gnomAD 0.00001; TOPMed 0.00001; ExAC 0.00001.

Submissions (2):

Ambry Genetics
Classification: Uncertain significance for Inborn genetic diseases. Last evaluated: 2025-04-10. Review status: criteria provided, single submitter. Criteria: Ambry Variant Classification Scheme 2023. Collection method: clinical testing. Allele origin: germline.

Labcorp Genetics (formerly Invitae), Labcorp
Classification: Uncertain significance for Charcot-Marie-Tooth disease type 4. Last evaluated: 2021-09-08. Review status: criteria provided, single submitter. Criteria: Invitae Variant Classification Sherloc (09022015). Collection method: clinical testing. Allele origin: germline.
Comment: This sequence change replaces valine with methionine at codon 191 of the NDRG1 protein (p.Val191Met). The valine residue is moderately conserved and there is a small physicochemical difference between valine and methionine. This variant is present in population databases (rs749716207, ExAC 0.002%). This variant has not been reported in the literature in individuals affected with NDRG1-related conditions. Algorithms developed to predict the effect of missense changes on protein structure and function are either unavailable or do not agree on the potential impact of this missense change (SIFT: "Deleterious"; PolyPhen-2: "Possibly Damaging"; Align-GVGD: "Class C0"). In summary, the available evidence is currently insufficient to determine the role of this variant in disease. Therefore, it has been classified as a Variant of Uncertain Significance.

NM_006096.4(NDRG1):c.571G>A (p.Val191Met)

Gene: NDRG1 (N-myc downstream regulated 1; minus strand). Cytogenetic location: 8q24.22.
Variant type: single nucleotide variant.
Coding change: c.571G>A on transcript NM_006096.4 (MANE Select); coding-DNA position 571, G replaced by A.
Protein change: p.Val191Met; replaces valine 191 with methionine.
Molecular consequence: missense variant.
Genome position (GRCh38, 1-based): chr8:133,254,562, C>T on the plus strand (G>A on the coding strand, the complement: NDRG1 is on the minus strand). VCF-style: chr8-133254562-C-T. GRCh37 (hg19) VCF-style: chr8-134266805-C-T.
Other names: c.571G>A, p.Val191Met (NM_001135242.2, NM_001374845.1, NM_001374846.1); c.373G>A, p.Val125Met (NM_001258432.2, NM_001374847.1); c.328G>A, p.Val110Met (NM_001258433.2); c.622G>A, p.Val208Met (NM_001374844.1); short protein forms V191M, V110M, V125M, V208M.
Identifiers: ClinVar variation 654489 (VCV000654489.7), dbSNP rs749716207, ClinGen allele CA4886686.
Genomic context (GRCh38, chr8:133,254,562, plus strand): 5'-AGCAGGAACAACAGATTTGCCAGACCACGCAACTCACCTTCCCAAAAAGGTGGGACACCA[C>T]CATGTCCGGCAGAGCTTGGGTCCATCCTGAGATCTGGAAAGGAGTAAAGTGGGTGGATGA-3'
Protein context (NP_006087.2, residues 181-201): SGWTQALPDM[Val191Met]VSHLFGKEEM